The following is an entry in ClinVar:

NM_002317.7(LOX):c.712T>C (p.Cys238Arg)

Genes: LOX (lysyl oxidase; minus strand), SRFBP1 (serum response factor binding protein 1; plus strand). Cytogenetic location: 5q23.1.
Variant type: single nucleotide variant.
Coding change: c.712T>C on transcript NM_002317.7 (MANE Select); coding-DNA position 712, T replaced by C.
Protein change: p.Cys238Arg; replaces cysteine 238 with arginine.
Molecular consequence: missense variant. On other transcripts: intron variant (1).
Genome position (GRCh38, 1-based): chr5:122,076,921, A>G on the plus strand (T>C on the coding strand, the complement: LOX is on the minus strand). VCF-style: chr5-122076921-A-G. GRCh37 (hg19) VCF-style: chr5-121412616-A-G.
Other names: c.22T>C, p.Cys8Arg (NM_001178102.2); c.-152+171T>C (NM_001317073.1); short protein forms C238R, C8R.
Identifiers: ClinVar variation 4710004 (VCV004710004.1).

ClinVar aggregate classification (germline): Uncertain significance (1 of 4 stars; one submission).

Submission:

Labcorp Genetics (formerly Invitae), Labcorp
Classification: Uncertain significance. Last evaluated: 2025-10-26. Review status: criteria provided, single submitter. Criteria: Invitae Variant Classification Sherloc (09022015). Collection method: clinical testing. Allele origin: germline.
Comment: This sequence change replaces cysteine, which is neutral and slightly polar, with arginine, which is basic and polar, at codon 238 of the LOX protein (p.Cys238Arg). This variant is not present in population databases (gnomAD no frequency). This variant has not been reported in the literature in individuals affected with LOX-related conditions. Invitae Evidence Modeling of protein sequence and biophysical properties (such as structural, functional, and spatial information, amino acid conservation, physicochemical variation, residue mobility, and thermodynamic stability) indicates that this missense variant is expected to disrupt LOX protein function with a positive predictive value of 95%. In summary, the available evidence is currently insufficient to determine the role of this variant in disease. Therefore, it has been classified as a Variant of Uncertain Significance.